The following is an entry in ClinVar:

NM_001267550.2(TTN):c.16904-1G>A

Genes: TTN (titin; minus strand), LOC126806431 (CDK7 strongly-dependent group 2 enhancer GRCh37_chr2:179595719-179596918; plus strand). Cytogenetic location: 2q31.2.
Variant type: single nucleotide variant.
Coding change: c.16904-1G>A on transcript NM_001267550.2 (MANE Select); the canonical splice acceptor site of the intron before coding-DNA position 16904, G replaced by A.
Molecular consequence: splice acceptor variant. On other transcripts: intron variant (3).
Genome position (GRCh38, 1-based): chr2:178,731,972, C>T on the plus strand (G>A on the coding strand, the complement: TTN is on the minus strand). VCF-style: chr2-178731972-C-T. GRCh37 (hg19) VCF-style: chr2-179596699-C-T.
Other names: c.13282+6110G>A (NM_003319.4); c.13858+6110G>A (NM_133437.4); c.13657+6110G>A (NM_133432.3); c.13172-1G>A (NM_133378.4); c.15953-1G>A (NM_001256850.1).
Identifiers: ClinVar variation 3750068 (VCV003750068.2).
Genomic context (GRCh38, chr2:178,731,972, plus strand): 5'-TGACATCGTACTCCTTTAAGACTTCAATTGGCTTAAATTCCTTGGTAAAATAAGGTGACT[C>T]TACAGTAAAAAAGGAATGATTTGCATTAAGGGAGGAGGGGTCTGTGCCATGGGCCATAAC-3'

ClinVar aggregate classification (germline): Likely pathogenic (1 of 4 stars; one submission).

Conditions:
Autosomal recessive limb-girdle muscular dystrophy type 2J (LGMDR10). Also called: Limb-girdle muscular dystrophy, type 2J; MUSCULAR DYSTROPHY, LIMB-GIRDLE, AUTOSOMAL RECESSIVE 10. Identifiers: Orphanet 140922, MedGen C1837342, MONDO:0012127, OMIM 608807.
Dilated cardiomyopathy 1G (CMD1G). Identifiers: Orphanet 154, MedGen C1858763, MONDO:0011400, OMIM 604145.

gnomAD v4.1: 2 of 1,601,370 alleles (0.00012%); highest among the groups gnomAD compares: Non-Finnish European, 0.00017%; no homozygotes.

Submission:

Labcorp Genetics (formerly Invitae), Labcorp
Classification: Likely pathogenic for Dilated cardiomyopathy 1G; Autosomal recessive limb-girdle muscular dystrophy type 2J. Last evaluated: 2025-02-18. Review status: criteria provided, single submitter. Criteria: Invitae Variant Classification Sherloc (09022015). Collection method: clinical testing. Allele origin: germline.
Comment: This sequence change affects an acceptor splice site in intron 57 of the TTN gene. It is expected to disrupt RNA splicing and likely results in a truncated or disrupted TTN protein. This variant is not present in population databases (gnomAD no frequency). This variant has not been reported in the literature in individuals affected with TTN-related conditions. Algorithms developed to predict the effect of sequence changes on RNA splicing suggest that this variant may disrupt the consensus splice site. This variant is located in the I band of TTN (PMID: 25589632). Truncating variants in this region have been reported in individuals affected with autosomal recessive centronuclear myopathy (PMID: 23975875, internal data). Truncating variants in this region have also been identified in individuals affected with autosomal dominant dilated cardiomyopathy and/or cardio-related conditions (PMID: 27869827, 32964742, internal data). In summary, the currently available evidence indicates that the variant is pathogenic, but additional data are needed to prove that conclusively. Therefore, this variant has been classified as Likely Pathogenic.

Literature cited by the submitters: PubMed 25589632; PubMed 23975875; PubMed 27869827; PubMed 32964742.